The following is an entry in ClinVar:

NM_152564.5(VPS13B):c.451G>A (p.Val151Ile)

Gene: VPS13B (vacuolar protein sorting 13 homolog B; plus strand). Cytogenetic location: 8q22.2.
Variant type: single nucleotide variant.
Coding change: c.451G>A on transcript NM_152564.5 (MANE Select); coding-DNA position 451, G replaced by A.
Protein change: p.Val151Ile; replaces valine 151 with isoleucine.
Molecular consequence: missense variant. On other transcripts: non-coding transcript variant (1).
Genome position (GRCh38, 1-based): chr8:99,102,991, G>A. VCF-style: chr8-99102991-G-A. GRCh37 (hg19) VCF-style: chr8-100115219-G-A.
Other names: c.451G>A (NM_152564.4); c.451G>A, p.Val151Ile (NM_015243.3, NM_017890.5, NM_181661.3); short protein forms V151I.
Identifiers: ClinVar variation 1446414 (VCV001446414.9), dbSNP rs772244398, ClinGen allele CA371859286.
Genomic context (GRCh38, chr8:99,102,991, plus strand): 5'-ATTCTTTTTTTCTATTTTATAGGTTATGTGCAGAGTCTGATTAGACGAGTTGTAAATAAT[G>A]TAAACATTGTGATAAATAATCTCATACTAAAATATGTTGAAGATGATATCGTCCTTTCCG-3'
Protein context (NP_689777.3, residues 141-161): QSLIRRVVNN[Val151Ile]NIVINNLILK

ClinVar aggregate classification (germline): Uncertain significance. Review status: criteria provided, multiple submitters, no conflicts (2 of 4 stars). 2 submissions from 2 submitters: Uncertain significance (2). Last evaluated 2026-06-18.

Conditions:
Cohen syndrome (COH1). Also called: PEPPER SYNDROME; Cutis verticis gyrata, retinitis pigmentosa, and sensorineural deafness. Identifiers: Orphanet 193, MedGen C0265223, MONDO:0008999, OMIM 216550.
VPS13B-related disorder. Also called: VPS13B-related condition.

gnomAD v4.1: 1 of 1,612,162 alleles (0.000062%); highest among the groups gnomAD compares: African/African-American, 0.0013%; no homozygotes.

Submissions (2):

PreventionGenetics, part of Exact Sciences
Classification: Uncertain significance for VPS13B-related condition. Last evaluated: 2026-06-18. Review status: criteria provided, single submitter. Criteria: ACMG Guidelines, 2015. Collection method: clinical testing. Allele origin: germline.
Comment: The VPS13B c.451G>A variant is predicted to result in the amino acid substitution p.Val151Ile. To our knowledge, this variant has not been reported in the literature or in a large population database (gnomAD), indicating this variant is rare. At this time, the clinical significance of this variant is uncertain due to the absence of conclusive functional and genetic evidence.

Labcorp Genetics (formerly Invitae), Labcorp
Classification: Uncertain significance for Cohen syndrome. Last evaluated: 2022-08-19. Review status: criteria provided, single submitter. Criteria: Invitae Variant Classification Sherloc (09022015). Collection method: clinical testing. Allele origin: germline.
Comment: This sequence change replaces valine, which is neutral and non-polar, with isoleucine, which is neutral and non-polar, at codon 151 of the VPS13B protein (p.Val151Ile). This variant is not present in population databases (gnomAD no frequency). This variant has not been reported in the literature in individuals affected with VPS13B-related conditions. ClinVar contains an entry for this variant (Variation ID: 1446414). Algorithms developed to predict the effect of missense changes on protein structure and function are either unavailable or do not agree on the potential impact of this missense change (SIFT: "Not Available"; PolyPhen-2: "Benign"; Align-GVGD: "Not Available"). In summary, the available evidence is currently insufficient to determine the role of this variant in disease. Therefore, it has been classified as a Variant of Uncertain Significance.